The following is an entry in ClinVar:

ClinVar aggregate classification (germline): Likely benign. Review status: criteria provided, multiple submitters, no conflicts (2 of 4 stars). 3 submissions from 3 submitters: Likely benign (2). 1 of the submissions does not count toward it. Last evaluated 2024-11-04.

Conditions:
Cardiovascular phenotype. Identifiers: MedGen CN230736.
Hereditary cancer-predisposing syndrome. Also called: Hereditary Cancer Syndrome; Hereditary neoplastic syndrome; Neoplastic Syndromes, Hereditary; Tumor predisposition. Identifiers: Orphanet 140162, MedGen C0027672, MeSH D009386, MONDO:0015356.
LZTR1-related disorder. Also called: LZTR1-related disorders; LZTR1-related condition.

Allele frequency attached by ClinVar (database versions not stated): gnomAD exomes below 0.00001.

Submissions (3):

Labcorp Genetics (formerly Invitae), Labcorp
Classification: Likely benign. Last evaluated: 2024-11-04. Review status: criteria provided, single submitter. Criteria: Invitae Variant Classification Sherloc (09022015). Collection method: clinical testing. Allele origin: germline.

Ambry Genetics
Classification: Likely benign for Cardiovascular phenotype; Hereditary cancer-predisposing syndrome. Last evaluated: 2021-01-15. Review status: criteria provided, single submitter. Criteria: Ambry Variant Classification Scheme 2023. Collection method: clinical testing. Allele origin: germline.

PreventionGenetics, part of Exact Sciences
Classification: Likely benign for LZTR1-related condition. Last evaluated: 2021-12-10. Review status: no assertion criteria provided. Collection method: clinical testing. Allele origin: germline. Not counted in ClinVar's aggregate classification.
Comment: This variant is classified as likely benign based on ACMG/AMP sequence variant interpretation guidelines (Richards et al. 2015 PMID: 25741868, with internal and published modifications).

NM_006767.4(LZTR1):c.1302G>C (p.Gly434=)

Gene: LZTR1 (leucine zipper like post translational regulator 1; plus strand). Cytogenetic location: 22q11.21.
Variant type: single nucleotide variant.
Coding change: c.1302G>C on transcript NM_006767.4 (MANE Select); coding-DNA position 1302, G replaced by C.
Protein change: p.Gly434=; no amino-acid change (glycine 434 retained).
Molecular consequence: synonymous variant.
Genome position (GRCh38, 1-based): chr22:20,993,703, G>C. VCF-style: chr22-20993703-G-C. GRCh37 (hg19) VCF-style: chr22-21347992-G-C.
Identifiers: ClinVar variation 1769448 (VCV001769448.6), dbSNP rs2518619975, ClinGen allele CA513458641.